The following is an entry in ClinVar:

NM_001385641.1(SAMD11):c.557A>T (p.Gln186Leu)

Gene: SAMD11 (sterile alpha motif domain containing 11; plus strand). Cytogenetic location: 1p36.33.
Variant type: single nucleotide variant.
Coding change: c.557A>T on transcript NM_001385641.1 (MANE Select); coding-DNA position 557, A replaced by T.
Protein change: p.Gln186Leu; replaces glutamine 186 with leucine.
Molecular consequence: missense variant.
Genome position (GRCh38, 1-based): chr1:925,961, A>T. VCF-style: chr1-925961-A-T. GRCh37 (hg19) VCF-style: chr1-861341-A-T.
Other names: c.557A>T, p.Gln186Leu (NM_001385640.1); c.20A>T, p.Gln7Leu (NM_152486.4); short protein forms Q186L, Q7L.
Identifiers: ClinVar variation 2069387 (VCV002069387.4), dbSNP rs754119496, ClinGen allele CA502381.
Genomic context (GRCh38, chr1:925,961, plus strand): 5'-CTGCCTCGGCTCTGCTCGCAGGGAAAAGTCTGAAGACGCTTATGTCCAAGGGGATCCTGC[A>T]GGTGCATCCTCCGATCTGCGACTGCCCGGGCTGCCGAATATCCTCCCCGGTGGTGAGATG-3'
Protein context (NP_001372570.1, residues 176-196): LKTLMSKGIL[Gln186Leu]VHPPICDCPG

ClinVar aggregate classification (germline): Uncertain significance (1 of 4 stars; one submission).

Allele frequency attached by ClinVar (database versions not stated): TOPMed below 0.00001; ExAC 0.00001.
gnomAD v4.1: 14 of 1,612,162 alleles (0.00087%); highest among the groups gnomAD compares: Admixed American, 0.0083%; no homozygotes.

Submission:

Labcorp Genetics (formerly Invitae), Labcorp
Classification: Uncertain significance. Last evaluated: 2021-12-24. Review status: criteria provided, single submitter. Criteria: Invitae Variant Classification Sherloc (09022015). Collection method: clinical testing. Allele origin: germline.
Comment: This sequence change replaces glutamine, which is neutral and polar, with leucine, which is neutral and non-polar, at codon 7 of the SAMD11 protein (p.Gln7Leu). This variant is present in population databases (rs754119496, gnomAD 0.01%). This variant has not been reported in the literature in individuals affected with SAMD11-related conditions. Algorithms developed to predict the effect of missense changes on protein structure and function are either unavailable or do not agree on the potential impact of this missense change (SIFT: "Deleterious"; PolyPhen-2: "Probably Damaging"; Align-GVGD: "Class C0"). In summary, the available evidence is currently insufficient to determine the role of this variant in disease. Therefore, it has been classified as a Variant of Uncertain Significance.